The following is an entry in ClinVar:

ClinVar aggregate classification (germline): Uncertain significance (1 of 4 stars; one submission).

Conditions:
Cardiovascular phenotype. Identifiers: MedGen CN230736.

Submission:

Ambry Genetics
Classification: Uncertain significance for Cardiovascular phenotype. Last evaluated: 2025-12-01. Review status: criteria provided, single submitter. Criteria: Ambry Variant Classification Scheme 2023. Collection method: clinical testing. Allele origin: germline.
Comment: The p.M2668I variant (also known as c.8004G>C), located in coding exon 48 of the FLNC gene, results from a G to C substitution at nucleotide position 8004. The methionine at codon 2668 is replaced by isoleucine, an amino acid with highly similar properties. This amino acid position is conserved. In addition, this alteration is predicted to be tolerated by in silico analysis. Based on the available evidence, the clinical significance of this variant remains unclear.

NM_001458.5(FLNC):c.8004G>C (p.Met2668Ile)

Genes: FLNC (filamin C; plus strand), FLNC-AS1 (FLNC antisense RNA 1; minus strand). Cytogenetic location: 7q32.1.
Variant type: single nucleotide variant.
Coding change: c.8004G>C on transcript NM_001458.5 (MANE Select); coding-DNA position 8004, G replaced by C.
Protein change: p.Met2668Ile; replaces methionine 2668 with isoleucine.
Molecular consequence: missense variant.
Genome position (GRCh38, 1-based): chr7:128,858,349, G>C. VCF-style: chr7-128858349-G-C. GRCh37 (hg19) VCF-style: chr7-128498403-G-C.
Other names: c.7905G>C, p.Met2635Ile (NM_001127487.2); short protein forms M2668I, M2635I.
Identifiers: ClinVar variation 4614206 (VCV004614206.1).